The following is an entry in ClinVar:

NM_014014.5(SNRNP200):c.1582G>C (p.Asp528His)

Gene: SNRNP200 (small nuclear ribonucleoprotein U5 subunit 200; minus strand). Cytogenetic location: 2q11.2.
Variant type: single nucleotide variant.
Coding change: c.1582G>C on transcript NM_014014.5 (MANE Select); coding-DNA position 1582, G replaced by C.
Protein change: p.Asp528His; replaces aspartic acid 528 with histidine.
Molecular consequence: missense variant.
Genome position (GRCh38, 1-based): chr2:96,296,625, C>G on the plus strand (G>C on the coding strand, the complement: SNRNP200 is on the minus strand). VCF-style: chr2-96296625-C-G. GRCh37 (hg19) VCF-style: chr2-96962363-C-G.
Other names: short protein forms D528H.
Identifiers: ClinVar variation 4766249 (VCV004766249.2).
Genomic context (GRCh38, chr2:96,296,625, plus strand): 5'-CCAAGGAGCGCATGGGGGCAATGTAGATAATCTTGAAGTCATCCACATTGATGGTGCCGT[C>G]CATGTTTATGTGTTTCCCAATCTCTCGGAGCATGCACATCAGGGCCACGTTGGTCTTCCC-3'
Protein context (NP_054733.2, residues 518-538): LREIGKHINM[Asp528His]GTINVDDFKI

ClinVar aggregate classification (germline): Uncertain significance. Review status: criteria provided, multiple submitters, no conflicts (2 of 4 stars). 2 submissions from 2 submitters: Uncertain significance (2). Last evaluated 2025-06-01.

gnomAD v4.1: 27 of 1,614,042 alleles (0.0017%); highest among the groups gnomAD compares: Non-Finnish European, 0.0022%; no homozygotes.

Submissions (2):

Labcorp Genetics (formerly Invitae), Labcorp
Classification: Uncertain significance. Last evaluated: 2025-06-01. Review status: criteria provided, single submitter. Criteria: Invitae Variant Classification Sherloc (09022015). Collection method: clinical testing. Allele origin: germline.
Comment: This sequence change replaces aspartic acid, which is acidic and polar, with histidine, which is basic and polar, at codon 528 of the SNRNP200 protein (p.Asp528His). This variant is not present in population databases (gnomAD no frequency). This variant has not been reported in the literature in individuals affected with SNRNP200-related conditions. Invitae Evidence Modeling of protein sequence and biophysical properties (such as structural, functional, and spatial information, amino acid conservation, physicochemical variation, residue mobility, and thermodynamic stability) has been performed for this missense variant. However, the output from this modeling did not meet the statistical confidence thresholds required to predict the impact of this variant on SNRNP200 protein function. In summary, the available evidence is currently insufficient to determine the role of this variant in disease. Therefore, it has been classified as a Variant of Uncertain Significance.

Blueprint Genetics
Classification: Uncertain significance. Last evaluated: 2022-11-25. Review status: criteria provided, single submitter. Criteria: ACMG Guidelines, 2015. Collection method: clinical testing. Allele origin: germline.